The following is an entry in ClinVar:

ClinVar aggregate classification (germline): Uncertain significance. Review status: criteria provided, multiple submitters, no conflicts (2 of 4 stars). 2 submissions from 2 submitters: Uncertain significance (2). Last evaluated 2024-11-08.

Conditions:
Combined deficiency of sialidase AND beta galactosidase (GSL). Also called: Galactosialidosis; GOLDBERG SYNDROME; NEURAMINIDASE DEFICIENCY WITH BETA-GALACTOSIDASE DEFICIENCY; NEURAMINIDASE/BETA-GALACTOSIDASE EXPRESSION; PPCA DEFICIENCY; PROTECTIVE PROTEIN/CATHEPSIN A DEFICIENCY. Identifiers: Orphanet 351, MedGen C0268233, MONDO:0009737, OMIM 256540.

Allele frequency attached by ClinVar (database versions not stated): TOPMed 0.00012; gnomAD 0.00013 and 0.00015; gnomAD exomes 0.00014 and 0.00019; ExAC 0.00015; ESP Exome Variant Server 0.00015.

Submissions (4):

Blueprint Genetics
Classification: Uncertain significance. Last evaluated: 2024-11-08. Review status: criteria provided, single submitter. Criteria: ACMG Guidelines, 2015. Collection method: clinical testing. Allele origin: germline.

Labcorp Genetics (formerly Invitae), Labcorp
Classification: Uncertain significance for Combined deficiency of sialidase AND beta galactosidase. Last evaluated: 2022-10-06. Review status: criteria provided, single submitter. Criteria: Invitae Variant Classification Sherloc (09022015). Collection method: clinical testing. Allele origin: germline.
Comment: This sequence change replaces asparagine, which is neutral and polar, with serine, which is neutral and polar, at codon 140 of the CTSA protein (p.Asn140Ser). This variant is present in population databases (rs199735882, gnomAD 0.02%). This variant has not been reported in the literature in individuals affected with CTSA-related conditions. ClinVar contains an entry for this variant (Variation ID: 1440406). Advanced modeling of protein sequence and biophysical properties (such as structural, functional, and spatial information, amino acid conservation, physicochemical variation, residue mobility, and thermodynamic stability) performed at Invitae indicates that this missense variant is not expected to disrupt CTSA protein function. In summary, the available evidence is currently insufficient to determine the role of this variant in disease. Therefore, it has been classified as a Variant of Uncertain Significance.

Dr. Peter K. Rogan Lab, Western University
No classification provided (evidence only). Condition: Clear cell carcinoma of kidney. Review status: no classification provided. Collection method: in vitro. Allele origin: not applicable. Functional consequence: retained intron. Not counted in ClinVar's aggregate classification.

Dr. Peter K. Rogan Lab, Western University
No classification provided (evidence only). Condition: Familial cancer of breast. Review status: no classification provided. Collection method: in vitro. Allele origin: not applicable. Functional consequence: retained intron. Not counted in ClinVar's aggregate classification.

NM_000308.4(CTSA):c.365A>G (p.Asn122Ser)

Gene: CTSA (cathepsin A; plus strand). Cytogenetic location: 20q13.12.
Variant type: single nucleotide variant.
Coding change: c.365A>G on transcript NM_000308.4 (MANE Select); coding-DNA position 365, A replaced by G.
Protein change: p.Asn122Ser; replaces asparagine 122 with serine.
Molecular consequence: missense variant. On other transcripts: non-coding transcript variant (1).
Genome position (GRCh38, 1-based): chr20:45,892,405, A>G. VCF-style: chr20-45892405-A-G. GRCh37 (hg19) VCF-style: chr20-44521044-A-G.
Other names: c.365A>G, p.Asn122Ser (NM_001127695.3); c.314A>G, p.Asn105Ser (NM_001167594.3); short protein forms N122S, N105S.
Identifiers: ClinVar variation 1440406 (VCV001440406.5), dbSNP rs199735882, ClinGen allele CA9883015.
Genomic context (GRCh38, chr20:45,892,405, plus strand): 5'-TGTCTGGGCACTTGGATGGGGTGGCATTTAGCTAATTTTTCCCTCCCCTCTAGATTGCCA[A>G]TGTGTTATACCTGGAGTCCCCAGCTGGGGTGGGCTTCTCCTACTCCGATGACAAGTTTTA-3'
Protein context (NP_000299.3, residues 112-132): YNPYSWNLIA[Asn122Ser]VLYLESPAGV